The following is an entry in ClinVar:

ClinVar aggregate classification (germline): Benign (0 of 4 stars; one submission).

Conditions:
DAZL-related disorder. Also called: DAZL-related condition.

Submission:

PreventionGenetics, part of Exact Sciences
Classification: Benign for DAZL-related condition. Last evaluated: 2019-10-31. Review status: no assertion criteria provided. Collection method: clinical testing. Allele origin: germline.
Comment: This variant is classified as benign based on ACMG/AMP sequence variant interpretation guidelines (Richards et al. 2015 PMID: 25741868, with internal and published modifications).

NM_001351.4(DAZL):c.571-4dup

Gene: DAZL (deleted in azoospermia like; minus strand). Cytogenetic location: 3p24.3.
Variant type: Duplication.
Coding change: c.571-4dup on transcript NM_001351.4 (MANE Select); 4 bases into the intron before coding-DNA position 571, one base duplicated (T; older notation c.571-4dupT).
Molecular consequence: intron variant.
Genome position (GRCh38, 1-based): chr3:16,594,587, A duplicated on the plus strand (T on the coding strand, the reverse complement: DAZL is on the minus strand); the first of 14 consecutive A bases (chr3:16,594,587-16,594,600); duplicating any one gives the same sequence. VCF-style (leftmost placement, unchanged base first): chr3-16594586-T-TA. GRCh37 (hg19) VCF-style: chr3-16636093-T-TA.
Other names: c.631-4dup (NM_001190811.2).
Identifiers: ClinVar variation 3056257 (VCV003056257.2), dbSNP rs35729175, ClinGen allele CA2280266.